The following is an entry in ClinVar:

NM_001378120.1(MBD5):c.1588A>C (p.Ser530Arg)

Gene: MBD5 (methyl-CpG binding domain protein 5; plus strand). Cytogenetic location: 2q23.1.
Variant type: single nucleotide variant.
Coding change: c.1588A>C on transcript NM_001378120.1 (MANE Select); coding-DNA position 1588, A replaced by C.
Protein change: p.Ser530Arg; replaces serine 530 with arginine.
Molecular consequence: missense variant.
Genome position (GRCh38, 1-based): chr2:148,469,531, A>C. VCF-style: chr2-148469531-A-C. GRCh37 (hg19) VCF-style: chr2-149227100-A-C.
Other names: c.1588A>C, p.Ser530Arg (NM_018328.5); short protein forms S530R.
Identifiers: ClinVar variation 2813440 (VCV002813440.3), dbSNP rs2469866843, ClinGen allele CA348720006.

ClinVar aggregate classification (germline): Uncertain significance (1 of 4 stars; one submission).

Conditions:
Intellectual developmental disorder, autosomal dominant 1. Also called: MBD5 Haploinsufficiency; Intellectual disability, autosomal dominant 1. Identifiers: Orphanet 228402, MedGen C1969562, MONDO:0007974, OMIM 156200.

Submission:

Labcorp Genetics (formerly Invitae), Labcorp
Classification: Uncertain significance for Intellectual developmental disorder, autosomal dominant 1. Last evaluated: 2023-09-21. Review status: criteria provided, single submitter. Criteria: Invitae Variant Classification Sherloc (09022015). Collection method: clinical testing. Allele origin: germline.
Comment: This sequence change replaces serine, which is neutral and polar, with arginine, which is basic and polar, at codon 530 of the MBD5 protein (p.Ser530Arg). This variant is not present in population databases (gnomAD no frequency). This variant has not been reported in the literature in individuals affected with MBD5-related conditions. Advanced modeling of protein sequence and biophysical properties (such as structural, functional, and spatial information, amino acid conservation, physicochemical variation, residue mobility, and thermodynamic stability) performed at Invitae indicates that this missense variant is not expected to disrupt MBD5 protein function. In summary, the available evidence is currently insufficient to determine the role of this variant in disease. Therefore, it has been classified as a Variant of Uncertain Significance.